The following is an entry in ClinVar:

ClinVar aggregate classification (germline): Uncertain significance (1 of 4 stars; one submission).

Conditions:
Familial renal glucosuria (GLYS). Also called: RENAL GLUCOSURIA, AUTOSOMAL DOMINANT; Familial renal glycosuria. Identifiers: Orphanet 69076, MedGen C3245525, MONDO:0009297, OMIM 233100.

Allele frequency attached by ClinVar (database versions not stated): gnomAD exomes below 0.00001; gnomAD 0.00001.
gnomAD v4.1: 2 of 1,613,756 alleles (0.00012%); highest among the groups gnomAD compares: Non-Finnish European, 0.00017%; no homozygotes.

Submission:

3billion
Classification: Uncertain significance for Familial renal glucosuria. Last evaluated: 2022-09-01. Review status: criteria provided, single submitter. Criteria: ACMG Guidelines, 2015. Collection method: clinical testing. Allele origin: germline. Affected: yes. Observed: 1 heterozygote.
Comment: The variant is observed at an extremely low frequency in the gnomAD v2.1.1 dataset (total allele frequency: 0.003%). In silico tool predictions suggest damaging effect of the variant on gene or gene product. However, the evidence of pathogenicity is insufficient at this time. Therefore, this variant is classified as uncertain significance according to the recommendation of ACMG/AMP guideline.

NM_003041.4(SLC5A2):c.683G>T (p.Gly228Val)

Gene: SLC5A2 (solute carrier family 5 member 2; plus strand). Cytogenetic location: 16p11.2.
Variant type: single nucleotide variant.
Coding change: c.683G>T on transcript NM_003041.4 (MANE Select); coding-DNA position 683, G replaced by T.
Protein change: p.Gly228Val; replaces glycine 228 with valine.
Molecular consequence: missense variant. On other transcripts: non-coding transcript variant (1).
Genome position (GRCh38, 1-based): chr16:31,487,557, G>T. VCF-style: chr16-31487557-G-T. GRCh37 (hg19) VCF-style: chr16-31498878-G-T.
Other names: short protein forms G228V.
Identifiers: ClinVar variation 1705713 (VCV001705713.1), dbSNP rs1398314779, ClinGen allele CA395753533.
Genomic context (GRCh38, chr16:31,487,557, plus strand): 5'-TAAGGAGGGTCCCCTGACGGCCTTGCCCGGCAGCCTTCCACGAGGTGGGCGGGTATTCGG[G>T]TCTCTTCGACAAATACCTGGGAGCAGCGACTTCGCTGACGGTGTCCGAGGATCCAGCCGT-3'
Protein context (NP_003032.1, residues 218-238): YAFHEVGGYS[Gly228Val]LFDKYLGAAT